The following is an entry in ClinVar:

NM_000070.3(CAPN3):c.2del (p.Met1fs)

Gene: CAPN3 (calpain 3; plus strand). Cytogenetic location: 15q15.1.
Variant type: Deletion.
Coding change: c.2del on transcript NM_000070.3 (MANE Select); coding-DNA position 2, one base deleted (T; older notation c.2delT).
Protein change: p.Met1fs; shifts the reading frame from methionine 1.
Molecular consequence: frameshift variant, initiator codon variant.
Genome position (GRCh38, 1-based): chr15:42,359,807, T deleted. VCF-style (leftmost placement, unchanged base first): chr15-42359806-AT-A. GRCh37 (hg19) VCF-style: chr15-42652004-AT-A.
Other names: c.2del, p.Met1fs (NM_024344.2, NM_173087.2); short protein forms M1fs.
Identifiers: ClinVar variation 569125 (VCV000569125.8), dbSNP rs1566965806, ClinGen allele CA618001461.

ClinVar aggregate classification (germline): Pathogenic (1 of 4 stars; one submission).

Conditions:
Autosomal recessive limb-girdle muscular dystrophy type 2A (LGMDR1). Also called: Calpainopathy; Limb-girdle muscular dystrophy, type 2A; LEYDEN-MOEBIUS MUSCULAR DYSTROPHY; MUSCULAR DYSTROPHY, PELVOFEMORAL; Muscular dystrophy, limb-girdle, type 2A, Amish. Identifiers: Orphanet 267, MedGen C1869123, MONDO:0009675, OMIM 253600. Disease mechanism: loss of function.

Allele frequency attached by ClinVar (database versions not stated): gnomAD exomes below 0.00001 and 0.00001.

Submission:

Labcorp Genetics (formerly Invitae), Labcorp
Classification: Pathogenic for Autosomal recessive limb-girdle muscular dystrophy type 2A. Last evaluated: 2022-10-25. Review status: criteria provided, single submitter. Criteria: Invitae Variant Classification Sherloc (09022015). Collection method: clinical testing. Allele origin: germline.
Comment: For these reasons, this variant has been classified as Pathogenic. This variant disrupts a region of the CAPN3 protein in which other variant(s) (p.Arg49Cys) have been determined to be pathogenic (PMID: 18055493, 18334579, 19285864, 19556129, 28403181). This suggests that this is a clinically significant region of the protein, and that variants that disrupt it are likely to be disease-causing. ClinVar contains an entry for this variant (Variation ID: 569125). Disruption of the initiator codon has been observed in individual(s) with autosomal recessive limb-girdle muscular dystrophy (PMID: 25135358). This variant is present in population databases (no rsID available, gnomAD 0.006%). This sequence change affects the initiator methionine of the CAPN3 mRNA. The next in-frame methionine is located at codon 228.

Literature cited by the submitters: PubMed 18055493; PubMed 18334579; PubMed 19285864; PubMed 19556129; PubMed 28403181; PubMed 25135358.